The following is an entry in ClinVar:

ClinVar aggregate classification (germline): Uncertain significance. Review status: criteria provided, multiple submitters, no conflicts (2 of 4 stars). 2 submissions from 2 submitters: Uncertain significance (2). Last evaluated 2025-11-03.

Allele frequency attached by ClinVar (database versions not stated): gnomAD exomes 0.00001; gnomAD 0.00003; ExAC 0.00004; TOPMed 0.00004; 1000 Genomes Project 30x 0.00016; 1000 Genomes Project 0.00020.
gnomAD v4.1: 20 of 1,614,198 alleles (0.0012%); highest among the groups gnomAD compares: East Asian, 0.042%; no homozygotes.

Submissions (3):

Labcorp Genetics (formerly Invitae), Labcorp
Classification: Uncertain significance. Last evaluated: 2025-11-03. Review status: criteria provided, single submitter. Criteria: Invitae Variant Classification Sherloc (09022015). Collection method: clinical testing. Allele origin: germline.
Comment: This sequence change replaces alanine, which is neutral and non-polar, with valine, which is neutral and non-polar, at codon 539 of the RNF31 protein (p.Ala539Val). This variant is present in population databases (rs201103203, gnomAD 0.05%). This variant has not been reported in the literature in individuals affected with RNF31-related conditions. ClinVar contains an entry for this variant (Variation ID: 2961861). An algorithm developed to predict the effect of missense changes on protein structure and function (PolyPhen-2) suggests that this variant is likely to be disruptive. In summary, the available evidence is currently insufficient to determine the role of this variant in disease. Therefore, it has been classified as a Variant of Uncertain Significance.

Blueprint Genetics
Classification: Uncertain significance. Last evaluated: 2020-07-13. Review status: criteria provided, single submitter. Criteria: ACMG Guidelines, 2015. Collection method: clinical testing. Allele origin: germline.

Dr. Peter K. Rogan Lab, Western University
No classification provided (evidence only). Condition: Malignant tumor of urinary bladder. Review status: no classification provided. Collection method: in vitro. Allele origin: not applicable. Functional consequence: skipped exon. Not counted in ClinVar's aggregate classification.

NM_017999.5(RNF31):c.1616C>T (p.Ala539Val)

Gene: RNF31 (ring finger protein 31; plus strand). Cytogenetic location: 14q12.
Variant type: single nucleotide variant.
Coding change: c.1616C>T on transcript NM_017999.5 (MANE Select); coding-DNA position 1616, C replaced by T.
Protein change: p.Ala539Val; replaces alanine 539 with valine.
Molecular consequence: missense variant.
Genome position (GRCh38, 1-based): chr14:24,151,258, C>T. VCF-style: chr14-24151258-C-T. GRCh37 (hg19) VCF-style: chr14-24620467-C-T.
Other names: c.1163C>T, p.Ala388Val (NM_001310332.2); short protein forms A388V, A539V.
Identifiers: ClinVar variation 2961861 (VCV002961861.5), dbSNP rs201103203, ClinGen allele CA7125835.